The following is an entry in ClinVar:

ClinVar aggregate classification (germline): Uncertain significance (1 of 4 stars; one submission).

Conditions:
TNK2-related disorder. Also called: TNK2-related condition.

Submission:

PreventionGenetics, part of Exact Sciences
Classification: Uncertain significance for TNK2-related condition. Last evaluated: 2026-01-15. Review status: criteria provided, single submitter. Criteria: ACMG Guidelines, 2015. Collection method: clinical testing. Allele origin: germline.
Comment: The TNK2 c.78+5G>T variant is predicted to interfere with splicing. This variant is also referred to as c.171+2840G>T (Intronic) using alternate transcript NM_001010938. To our knowledge, this variant has not been reported in the literature or in a large population database (gnomAD), indicating this variant is rare. At this time, the clinical significance of this variant is uncertain due to the absence of conclusive functional and genetic evidence.

NM_001382273.1(TNK2):c.-18-3800G>T

Gene: TNK2 (tyrosine kinase non receptor 2; minus strand). Cytogenetic location: 3q29.
Variant type: single nucleotide variant.
Coding change: c.-18-3800G>T on transcript NM_001382273.1 (MANE Select); 3800 bases into the intron before 18 bases upstream of the start codon, G replaced by T.
Molecular consequence: intron variant.
Genome position (GRCh38, 1-based): chr3:195,892,406, C>A on the plus strand (G>T on the coding strand, the complement: TNK2 is on the minus strand). VCF-style: chr3-195892406-C-A. GRCh37 (hg19) VCF-style: chr3-195619277-C-A.
Other names: c.-18-3800G>T (NM_001387720.1, NM_005781.5, NM_001386164.1 and 3 more transcripts); c.-19+3647G>T (NM_001387721.1, NM_001387710.1); c.-19+3489G>T (NM_001387719.1, NM_001387713.1, NM_001387712.1 and 2 more transcripts); c.54+2840G>T (NM_001387715.1, NM_001387708.1, NM_001010938.2 and 1 more transcripts); c.-19+2200G>T (NM_001387709.1, NM_001387716.1); c.78+5G>T (NM_001308046.2, NM_001382271.1, NM_001382275.1 and 1 more transcripts).
Identifiers: ClinVar variation 4993181 (VCV004993181.1).